The following is an entry in ClinVar:

ClinVar aggregate classification (germline): Uncertain significance. Review status: criteria provided, multiple submitters, no conflicts (2 of 4 stars). 2 submissions from 2 submitters: Uncertain significance (2). Last evaluated 2025-03-24.

Conditions:
Hereditary cancer-predisposing syndrome. Also called: Hereditary neoplastic syndrome; Tumor predisposition; Neoplastic Syndromes, Hereditary; Hereditary Cancer Syndrome. Identifiers: Orphanet 140162, MedGen C0027672, MeSH D009386, MONDO:0015356.

Allele frequency attached by ClinVar (database versions not stated): gnomAD exomes below 0.00001.
gnomAD v4.1: 2 of 1,614,022 alleles (0.00012%); highest among the groups gnomAD compares: Non-Finnish European, 0.00017%; no homozygotes.

Submissions (2):

Ambry Genetics
Classification: Uncertain significance for Hereditary cancer-predisposing syndrome. Last evaluated: 2025-03-24. Review status: criteria provided, single submitter. Criteria: Ambry Variant Classification Scheme 2023. Collection method: clinical testing. Allele origin: germline.
Comment: The p.T49P variant (also known as c.145A>C), located in coding exon 2 of the NBN gene, results from an A to C substitution at nucleotide position 145. The threonine at codon 49 is replaced by proline, an amino acid with highly similar properties. This amino acid position is conserved. In addition, the in silico prediction for this alteration is inconclusive. Based on the available evidence, the clinical significance of this variant remains unclear.

GeneDx
Classification: Uncertain significance. Last evaluated: 2016-04-13. Review status: criteria provided, single submitter. Criteria: GeneDx Variant Classification (06012015). Collection method: clinical testing. Allele origin: germline. Affected: yes.
Comment: This variant is denoted NBN c.145A>C at the cDNA level, p.Thr49Pro (T49P) at the protein level, and results in the change of a Threonine to a Proline (ACT>CCT). This variant has not, to our knowledge, been published in the literature as pathogenic or benign. NBN Thr49Pro was not observed in approximately 6,500 individuals of European and African American ancestry in the NHLBI Exome Sequencing Project, suggesting it is not a common benign variant in these populations. Since Threonine and Proline differ in polarity, charge, size or other properties, this is considered a non-conservative amino acid substitution. NBN Thr49Pro occurs at a position that is not conserved and is located in the FHA domain (Uniprot). In silico analyses predict that this variant is probably damaging to protein structure and function. Based on currently available evidence, it is unclear whether NBN Thr49Pro is pathogenic or benign. We consider it to be a variant of uncertain significance.

NM_002485.5(NBN):c.145A>C (p.Thr49Pro)

Gene: NBN (nibrin; minus strand). Cytogenetic location: 8q21.3.
Variant type: single nucleotide variant.
Coding change: c.145A>C on transcript NM_002485.5 (MANE Select); coding-DNA position 145, A replaced by C.
Protein change: p.Thr49Pro; replaces threonine 49 with proline.
Molecular consequence: missense variant. On other transcripts: 5 prime UTR variant (1).
Genome position (GRCh38, 1-based): chr8:89,982,748, T>G on the plus strand (A>C on the coding strand, the complement: NBN is on the minus strand). VCF-style: chr8-89982748-T-G. GRCh37 (hg19) VCF-style: chr8-90994976-T-G.
Other names: c.-152A>C (NM_001024688.3); short protein forms T49P.
Identifiers: ClinVar variation 420942 (VCV000420942.3), dbSNP rs1064794807, ClinGen allele CA16618717.